The following is an entry in ClinVar:

NM_001365480.1(CCDC88A):c.1747A>G (p.Lys583Glu)

Gene: CCDC88A (coiled-coil and HOOK domain protein 88A; minus strand). Cytogenetic location: 2p16.1.
Variant type: single nucleotide variant.
Coding change: c.1747A>G on transcript NM_001365480.1 (MANE Select); coding-DNA position 1747, A replaced by G.
Protein change: p.Lys583Glu; replaces lysine 583 with glutamic acid.
Molecular consequence: missense variant.
Genome position (GRCh38, 1-based): chr2:55,335,074, T>C on the plus strand (A>G on the coding strand, the complement: CCDC88A is on the minus strand). VCF-style: chr2-55335074-T-C. GRCh37 (hg19) VCF-style: chr2-55562210-T-C.
Other names: c.1747A>G, p.Lys583Glu (NM_001135597.2, NM_001254943.2, NM_018084.5); short protein forms K583E.
Identifiers: ClinVar variation 2122615 (VCV002122615.4), dbSNP rs2544837512, ClinGen allele CA346902195.
Genomic context (GRCh38, chr2:55,335,074, plus strand): 5'-GCTTGCTACTTGTTTCTTTGATAGATTCATGAAGAATTTTGTTTTCTTTTTCAATGTCTT[T>C]CACTCTTGCTTCTGCACTTATCTGGGACCGCTGCCTTAAGGAAGACACTGTTTGATTCAG-3'
Protein context (NP_001352409.1, residues 573-593): RSQISAEARV[Lys583Glu]DIEKENKILH

ClinVar aggregate classification (germline): Uncertain significance (1 of 4 stars; one submission).

Submission:

Labcorp Genetics (formerly Invitae), Labcorp
Classification: Uncertain significance. Last evaluated: 2022-04-07. Review status: criteria provided, single submitter. Criteria: Invitae Variant Classification Sherloc (09022015). Collection method: clinical testing. Allele origin: germline.
Comment: Algorithms developed to predict the effect of missense changes on protein structure and function are either unavailable or do not agree on the potential impact of this missense change (SIFT: "Deleterious"; PolyPhen-2: "Probably Damaging"; Align-GVGD: "Class C0"). In summary, the available evidence is currently insufficient to determine the role of this variant in disease. Therefore, it has been classified as a Variant of Uncertain Significance. This variant has not been reported in the literature in individuals affected with CCDC88A-related conditions. This variant is not present in population databases (gnomAD no frequency). This sequence change replaces lysine, which is basic and polar, with glutamic acid, which is acidic and polar, at codon 583 of the CCDC88A protein (p.Lys583Glu).